The following is an entry in ClinVar:

ClinVar aggregate classification (germline): Uncertain significance. Review status: criteria provided, multiple submitters, no conflicts (2 of 4 stars). 2 submissions from 2 submitters: Uncertain significance (2). Last evaluated 2025-03-29.

Conditions:
Cardiovascular phenotype. Identifiers: MedGen CN230736.

gnomAD v4.1: 2 of 1,614,132 alleles (0.00012%); highest among the groups gnomAD compares: African/African-American, 0.0013%; no homozygotes.

Submissions (2):

Labcorp Genetics (formerly Invitae), Labcorp
Classification: Uncertain significance. Last evaluated: 2025-03-29. Review status: criteria provided, single submitter. Criteria: Invitae Variant Classification Sherloc (09022015). Collection method: clinical testing. Allele origin: germline.
Comment: This sequence change replaces glutamic acid, which is acidic and polar, with glycine, which is neutral and non-polar, at codon 880 of the ALPK3 protein (p.Glu880Gly). This variant is not present in population databases (gnomAD no frequency). This variant has not been reported in the literature in individuals affected with ALPK3-related conditions. ClinVar contains an entry for this variant (Variation ID: 3532906). Invitae Evidence Modeling of protein sequence and biophysical properties (such as structural, functional, and spatial information, amino acid conservation, physicochemical variation, residue mobility, and thermodynamic stability) indicates that this missense variant is not expected to disrupt ALPK3 protein function with a negative predictive value of 80%. In summary, the available evidence is currently insufficient to determine the role of this variant in disease. Therefore, it has been classified as a Variant of Uncertain Significance.

Ambry Genetics
Classification: Uncertain significance for Cardiovascular phenotype. Last evaluated: 2024-07-17. Review status: criteria provided, single submitter. Criteria: Ambry Variant Classification Scheme 2023. Collection method: clinical testing. Allele origin: germline.
Comment: The p.E880G variant (also known as c.2639A>G), located in coding exon 6 of the ALPK3 gene, results from an A to G substitution at nucleotide position 2639. The glutamic acid at codon 880 is replaced by glycine, an amino acid with similar properties. This amino acid position is conserved. In addition, this alteration is predicted to be tolerated by in silico analysis. Based on the available evidence, the clinical significance of this variant remains unclear.

NM_020778.5(ALPK3):c.2033A>G (p.Glu678Gly)

Gene: ALPK3 (alpha kinase 3; plus strand). Cytogenetic location: 15q25.3.
Variant type: single nucleotide variant.
Coding change: c.2033A>G on transcript NM_020778.5 (MANE Select); coding-DNA position 2033, A replaced by G.
Protein change: p.Glu678Gly; replaces glutamic acid 678 with glycine.
Molecular consequence: missense variant.
Genome position (GRCh38, 1-based): chr15:84,856,771, A>G. VCF-style: chr15-84856771-A-G. GRCh37 (hg19) VCF-style: chr15-85400002-A-G.
Other names: short protein forms E678G.
Identifiers: ClinVar variation 3532906 (VCV003532906.3).